The following is an entry in ClinVar:

ClinVar aggregate classification (germline): Benign. Review status: criteria provided, multiple submitters, no conflicts (2 of 4 stars). 3 submissions from 3 submitters: Benign (2). 1 of the submissions does not count toward it. Last evaluated 2015-03-03.

Allele frequency attached by ClinVar (database versions not stated): gnomAD exomes 0.00110 and 0.00293; ExAC 0.00726; 1000 Genomes Project 0.00879; 1000 Genomes Project 30x 0.00906; gnomAD 0.01172 and 0.01287; TOPMed 0.01353; ESP Exome Variant Server 0.01408.
gnomAD v4.1: 3,395 of 1,572,458 alleles (0.22%); highest among the groups gnomAD compares: African/African-American, 4.1%; 71 homozygotes.

Submissions (3):

GeneDx
Classification: Benign. Last evaluated: 2015-03-03. Review status: criteria provided, single submitter. Criteria: GeneDx Variant Classification Process June 2021. Collection method: clinical testing. Allele origin: germline. Affected: yes.

Breakthrough Genomics
Classification: Benign. Review status: criteria provided, single submitter. Criteria: ACMG Guidelines, 2015. Collection method: not provided. Allele origin: germline. Inheritance: Autosomal recessive inheritance. Affected: yes.

Leiden Open Variation Database
Classification: Uncertain significance. Last evaluated: 2020-02-28. Review status: no assertion criteria provided. Collection method: curation. Allele origin: germline. Affected: yes. Not counted in ClinVar's aggregate classification.
Comment: Curator: Arleen D. Auerbach. Submitter to LOVD: Arleen D. Auerbach.

Literature cited by the submitters: PubMed 08844212 (cited by Leiden Open Variation Database).

NM_000136.3(FANCC):c.686+30C>T

Genes: AOPEP (aminopeptidase O (putative); plus strand), FANCC (FA complementation group C; minus strand). Cytogenetic location: 9q22.32.
Variant type: single nucleotide variant.
Coding change: c.686+30C>T on transcript NM_000136.3 (MANE Select); 30 bases into the intron after coding-DNA position 686, C replaced by T.
Molecular consequence: intron variant.
Genome position (GRCh38, 1-based): chr9:95,149,893, G>A on the plus strand (C>T on the coding strand, the complement: FANCC is on the minus strand). VCF-style: chr9-95149893-G-A. GRCh37 (hg19) VCF-style: chr9-97912175-G-A.
Other names: c.686+30C>T (NM_001243743.2, NM_001243744.2).
Identifiers: ClinVar variation 929809 (VCV000929809.4), dbSNP rs1800363, ClinGen allele CA5137665.